The following is an entry in ClinVar:

NM_001267550.2(TTN):c.2306T>C (p.Ile769Thr)

Gene: TTN (titin; minus strand). Cytogenetic location: 2q31.2.
Variant type: single nucleotide variant.
Coding change: c.2306T>C on transcript NM_001267550.2 (MANE Select); coding-DNA position 2306, T replaced by C.
Protein change: p.Ile769Thr; replaces isoleucine 769 with threonine.
Molecular consequence: missense variant.
Genome position (GRCh38, 1-based): chr2:178,785,912, A>G on the plus strand (T>C on the coding strand, the complement: TTN is on the minus strand). VCF-style: chr2-178785912-A-G. GRCh37 (hg19) VCF-style: chr2-179650639-A-G.
Other names: c.2168T>C, p.Ile723Thr (NM_003319.4, NM_133432.3, NM_133437.4); c.2306T>C, p.Ile769Thr (NM_001256850.1, NM_133378.4, NM_133379.5); short protein forms I723T, I769T.
Identifiers: ClinVar variation 519000 (VCV000519000.18), dbSNP rs979110143, ClinGen allele CA60982751.
Genomic context (GRCh38, chr2:178,785,912, plus strand): 5'-GATGATATGTGCATTCCCTTTTGATCAGTAGTTTTGATATGAGTCTCAGAAGGAGCCTGG[A>G]TTACTCTAGGCTTGACTGCTTTAGGGACAACGTGGGGTTCTGAGGCTGGACGTTGGGGAG-3'
Protein context (NP_001254479.2, residues 759-779): VVPKAVKPRV[Ile769Thr]QAPSETHIKT

ClinVar aggregate classification (germline): Conflicting classifications of pathogenicity. Review status: criteria provided, conflicting classifications (1 of 4 stars). 4 submissions from 4 submitters: Uncertain significance (2); Likely benign (2). Last evaluated 2025-02-16.

Conditions:
Cardiovascular phenotype. Identifiers: MedGen CN230736.
Dilated cardiomyopathy 1G (CMD1G). Identifiers: Orphanet 154, MedGen C1858763, MONDO:0011400, OMIM 604145.
Early-onset myopathy with fatal cardiomyopathy (CMYO5). Also called: CONGENITAL MYOPATHY 5 WITH CARDIOMYOPATHY; Salih Myopathy. Identifiers: Orphanet 289377, MedGen C2673677, MONDO:0012714, OMIM 611705. Disease mechanism: loss of function.
Myopathy, myofibrillar, 9, with early respiratory failure (MFM9). Also called: Hereditary myopathy with early respiratory failure; EDSTROM MYOPATHY; Myopathy, distal, with early respiratory failure, autosomal dominant; MYOPATHY, PROXIMAL, WITH EARLY RESPIRATORY MUSCLE INVOLVEMENT. Identifiers: Orphanet 178464, Orphanet 34521, MedGen C1863599, MONDO:0011362, OMIM 603689.
Autosomal recessive limb-girdle muscular dystrophy type 2J (LGMDR10). Also called: Limb-girdle muscular dystrophy, type 2J; MUSCULAR DYSTROPHY, LIMB-GIRDLE, AUTOSOMAL RECESSIVE 10. Identifiers: Orphanet 140922, MedGen C1837342, MONDO:0012127, OMIM 608807.
Tibial muscular dystrophy (TMD). Also called: Tibial muscular dystrophy, tardive; Udd Distal Myopathy – Tibial Muscular Dystrophy; UDD MYOPATHY. Identifiers: Orphanet 609, MedGen C1838244, MONDO:0010870, OMIM 600334.
Hypertrophic cardiomyopathy 9. Also called: Familial hypertrophic cardiomyopathy 9. Identifiers: MedGen C1861065, MONDO:0013412, OMIM 613765.

Allele frequency attached by ClinVar (database versions not stated): gnomAD exomes below 0.00001 and 0.00001; TOPMed 0.00001; gnomAD 0.00002.
gnomAD v4.1: 13 of 1,613,984 alleles (0.00081%); highest among the groups gnomAD compares: Non-Finnish European, 0.0011%; no homozygotes.

Submissions (4):

Laboratory of Genetics, Children's Clinical University Hospital Latvia
Classification: Likely benign. Last evaluated: 2025-02-16. Review status: criteria provided, single submitter. Criteria: ACMG Guidelines, 2015. Collection method: clinical testing. Allele origin: germline. Affected: yes.

Blueprint Genetics
Classification: Likely benign. Last evaluated: 2023-03-01. Review status: criteria provided, single submitter. Criteria: ACMG Guidelines, 2015. Collection method: clinical testing. Allele origin: germline.

Fulgent Genetics
Classification: Uncertain significance for Tibial muscular dystrophy; Myopathy, myofibrillar, 9, with early respiratory failure; Dilated cardiomyopathy 1G; Autosomal recessive limb-girdle muscular dystrophy type 2J; Early-onset myopathy with fatal cardiomyopathy; Hypertrophic cardiomyopathy 9. Last evaluated: 2021-10-11. Review status: criteria provided, single submitter. Criteria: ACMG Guidelines, 2015. Collection method: clinical testing. Allele origin: unknown.

Ambry Genetics
Classification: Uncertain significance for Cardiovascular phenotype. Last evaluated: 2017-05-17. Review status: criteria provided, single submitter. Criteria: Ambry Variant Classification Scheme 2023. Collection method: clinical testing. Allele origin: germline.
Comment: The p.I723T variant (also known as c.2168T>C), located in coding exon 12 of the TTN gene, results from a T to C substitution at nucleotide position 2168. The isoleucine at codon 723 is replaced by threonine, an amino acid with similar properties. This amino acid position is not well conserved in available vertebrate species, and threonine is the reference amino acid in other vertebrate species. In addition, this alteration is predicted to be tolerated by in silico analysis. Since supporting evidence is limited at this time, the clinical significance of this alteration remains unclear.